The following is an entry in ClinVar:

NM_018136.5(ASPM):c.4846T>A (p.Phe1616Ile)

Gene: ASPM (assembly factor for spindle microtubules; minus strand). Cytogenetic location: 1q31.3.
Variant type: single nucleotide variant.
Coding change: c.4846T>A on transcript NM_018136.5 (MANE Select); coding-DNA position 4846, T replaced by A.
Protein change: p.Phe1616Ile; replaces phenylalanine 1616 with isoleucine.
Molecular consequence: missense variant. On other transcripts: intron variant (1).
Genome position (GRCh38, 1-based): chr1:197,104,405, A>T on the plus strand (T>A on the coding strand, the complement: ASPM is on the minus strand). VCF-style: chr1-197104405-A-T. GRCh37 (hg19) VCF-style: chr1-197073535-A-T.
Other names: c.4066-8241T>A (NM_001206846.2); short protein forms F1616I.
Identifiers: ClinVar variation 1302321 (VCV001302321.10), dbSNP rs1657332165, ClinGen allele CA344028748.

ClinVar aggregate classification (germline): Uncertain significance. Review status: criteria provided, multiple submitters, no conflicts (2 of 4 stars). 3 submissions from 3 submitters: Uncertain significance (3). Last evaluated 2023-04-11.

Conditions:
Microcephaly 5, primary, autosomal recessive (MCPH5). Also called: ASPM Primary Microcephaly. Identifiers: Orphanet 2512, MedGen C1837501, MONDO:0012106, OMIM 608716.

Allele frequency attached by ClinVar (database versions not stated): TOPMed below 0.00001.

Submissions (3):

Genome-Nilou Lab
Classification: Uncertain significance for Microcephaly 5, primary, autosomal recessive. Last evaluated: 2023-04-11. Review status: criteria provided, single submitter. Criteria: ACMG Guidelines, 2015. Collection method: clinical testing. Allele origin: germline. Affected: no.

Labcorp Genetics (formerly Invitae), Labcorp
Classification: Uncertain significance. Last evaluated: 2021-05-31. Review status: criteria provided, single submitter. Criteria: Invitae Variant Classification Sherloc (09022015). Collection method: clinical testing. Allele origin: germline.
Comment: In summary, the available evidence is currently insufficient to determine the role of this variant in disease. Therefore, it has been classified as a Variant of Uncertain Significance. Algorithms developed to predict the effect of missense changes on protein structure and function are either unavailable or do not agree on the potential impact of this missense change (SIFT: "Deleterious"; PolyPhen-2: "Benign"; Align-GVGD: "Class C0"). This variant has not been reported in the literature in individuals with ASPM-related conditions. This variant is not present in population databases (ExAC no frequency). This sequence change replaces phenylalanine with isoleucine at codon 1616 of the ASPM protein (p.Phe1616Ile). The phenylalanine residue is moderately conserved and there is a small physicochemical difference between phenylalanine and isoleucine.

GeneDx
Classification: Uncertain significance. Last evaluated: 2019-05-20. Review status: criteria provided, single submitter. Criteria: GeneDx Variant Classification Process June 2021. Collection method: clinical testing. Allele origin: germline. Affected: yes.
Comment: Not observed in large population cohorts (Lek et al., 2016); In silico analysis, which includes protein predictors and evolutionary conservation, supports a deleterious effect; Missense variant in a gene in which most reported pathogenic variants are truncating/loss-of-function; Has not been previously published as pathogenic or benign to our knowledge